The following is an entry in ClinVar:

ClinVar aggregate classification (germline): Uncertain significance. Review status: criteria provided, multiple submitters, no conflicts (2 of 4 stars). 4 submissions from 4 submitters: Uncertain significance (4). Last evaluated 2024-04-17.

Allele frequency attached by ClinVar (database versions not stated): gnomAD exomes 0.00001 and 0.00005; gnomAD 0.00002; TOPMed 0.00002.
gnomAD v4.1: 71 of 1,613,944 alleles (0.0044%); highest among the groups gnomAD compares: Non-Finnish European, 0.0058%; no homozygotes.

Submissions (4):

Women's Health and Genetics/Laboratory Corporation of America, LabCorp
Classification: Uncertain significance. Last evaluated: 2024-04-17. Review status: criteria provided, single submitter. Criteria: LabCorp Variant Classification Summary - May 2015. Collection method: clinical testing. Allele origin: germline.
Comment: Variant summary: ABCA4 c.4248C>A (p.Phe1416Leu) results in a non-conservative amino acid change in the encoded protein sequence. Four of five in-silico tools predict a damaging effect of the variant on protein function. The variant allele was found at a frequency of 1.2e-05 in 251362 control chromosomes. The available data on variant occurrences in the general population are insufficient to allow any conclusion about variant significance. c.4248C>A has been reported in the literature in individuals affected with retinal disease (Hanany_2020, Zernant_2011). These report(s) do not provide unequivocal conclusions about association of the variant with Retinitis Pigmentosa. To our knowledge, no experimental evidence demonstrating an impact on protein function has been reported. The following publications have been ascertained in the context of this evaluation (PMID: 31964843, 21911583). ClinVar contains an entry for this variant (Variation ID: 1303028). Based on the evidence outlined above, the variant was classified as uncertain significance.

Blueprint Genetics
Classification: Uncertain significance. Last evaluated: 2023-12-16. Review status: criteria provided, single submitter. Criteria: ACMG Guidelines, 2015. Collection method: clinical testing. Allele origin: germline.

Labcorp Genetics (formerly Invitae), Labcorp
Classification: Uncertain significance. Last evaluated: 2021-11-22. Review status: criteria provided, single submitter. Criteria: Invitae Variant Classification Sherloc (09022015). Collection method: clinical testing. Allele origin: germline.
Comment: This sequence change replaces phenylalanine, which is neutral and non-polar, with leucine, which is neutral and non-polar, at codon 1416 of the ABCA4 protein (p.Phe1416Leu). This variant is present in population databases (no rsID available, gnomAD 0.002%). This missense change has been observed in individual(s) with ABCA4 related conditions (PMID: 21911583). ClinVar contains an entry for this variant (Variation ID: 1303028). Advanced modeling of protein sequence and biophysical properties (such as structural, functional, and spatial information, amino acid conservation, physicochemical variation, residue mobility, and thermodynamic stability) performed at Invitae indicates that this missense variant is expected to disrupt ABCA4 protein function. In summary, the available evidence is currently insufficient to determine the role of this variant in disease. Therefore, it has been classified as a Variant of Uncertain Significance.

GeneDx
Classification: Uncertain significance. Last evaluated: 2019-09-20. Review status: criteria provided, single submitter. Criteria: GeneDx Variant Classification Process June 2021. Collection method: clinical testing. Allele origin: germline. Affected: yes.
Comment: Not observed at a significant frequency in large population cohorts (Lek et al., 2016); In silico analysis, which includes protein predictors and evolutionary conservation, supports a deleterious effect; Identified in two patients with features of an ABCA4-related disorder in published literature; one individual harbored a hypomorphic ABCA4 allele in trans, while the other had no 2nd reportable ABCA4 variant identified (Zernant et al., 2011; Zernant et al., 2018); This variant is associated with the following publications: (PMID: 29848554, 21911583)

Literature cited by the submitters: PubMed 31964843 (cited by Women's Health and Genetics/Laboratory Corporation of America, LabCorp); PubMed 21911583 (cited by Women's Health and Genetics/Laboratory Corporation of America, LabCorp and Labcorp Genetics (formerly Invitae), Labcorp).

NM_000350.3(ABCA4):c.4248C>A (p.Phe1416Leu)

Gene: ABCA4 (ATP binding cassette subfamily A member 4; minus strand). Cytogenetic location: 1p22.1.
Variant type: single nucleotide variant.
Coding change: c.4248C>A on transcript NM_000350.3 (MANE Select); coding-DNA position 4248, C replaced by A.
Protein change: p.Phe1416Leu; replaces phenylalanine 1416 with leucine.
Molecular consequence: missense variant.
Genome position (GRCh38, 1-based): chr1:94,031,001, G>T on the plus strand (C>A on the coding strand, the complement: ABCA4 is on the minus strand). VCF-style: chr1-94031001-G-T. GRCh37 (hg19) VCF-style: chr1-94496557-G-T.
Other names: c.4026C>A, p.Phe1342Leu (NM_001425324.1); short protein forms F1416L, F1342L.
Identifiers: ClinVar variation 1303028 (VCV001303028.6), dbSNP rs1480701186, ClinGen allele CA341286039.